The following is an entry in ClinVar:

ClinVar aggregate classification (germline): Uncertain significance. Review status: criteria provided, multiple submitters, no conflicts (2 of 4 stars). 2 submissions from 2 submitters: Uncertain significance (2). Last evaluated 2025-10-20.

Allele frequency attached by ClinVar (database versions not stated): ExAC 0.00004.

Submissions (2):

Women's Health and Genetics/Laboratory Corporation of America, LabCorp
Classification: Uncertain significance. Last evaluated: 2025-10-20. Review status: criteria provided, single submitter. Criteria: LabCorp Variant Classification Summary - May 2015. Collection method: clinical testing. Allele origin: germline.
Comment: Variant summary: CPLANE1 c.1472A>G (p.Lys491Arg) results in a conservative amino acid change in the encoded protein sequence. Algorithms developed to predict the effect of missense changes on protein structure and function all suggest that this variant is likely to be tolerated. The frequency of this variant in the general population could not be determined as the technology used for large population databases (ExAC, gnomAD, ESP, 1000G) cannot detect variants of this type. The available data on variant occurrences in the general population are insufficient to allow any conclusion about variant significance. To our knowledge, no occurrence of c.1472A>G in individuals affected with CPLANE1-related conditions and no experimental evidence demonstrating its impact on protein function have been reported. ClinVar contains an entry for this variant (Variation ID: 2139281). Based on the evidence outlined above, the variant was classified as uncertain significance.

Labcorp Genetics (formerly Invitae), Labcorp
Classification: Uncertain significance. Last evaluated: 2024-01-22. Review status: criteria provided, single submitter. Criteria: Invitae Variant Classification Sherloc (09022015). Collection method: clinical testing. Allele origin: germline.
Comment: This sequence change replaces lysine, which is basic and polar, with arginine, which is basic and polar, at codon 491 of the CPLANE1 protein (p.Lys491Arg). This variant is present in population databases (rs761746624, gnomAD 0.01%). This variant has not been reported in the literature in individuals affected with CPLANE1-related conditions. ClinVar contains an entry for this variant (Variation ID: 2139281). Advanced modeling of protein sequence and biophysical properties (such as structural, functional, and spatial information, amino acid conservation, physicochemical variation, residue mobility, and thermodynamic stability) performed at Invitae indicates that this missense variant is not expected to disrupt CPLANE1 protein function with a negative predictive value of 95%. In summary, the available evidence is currently insufficient to determine the role of this variant in disease. Therefore, it has been classified as a Variant of Uncertain Significance.

NM_001384732.1(CPLANE1):c.1472A>G (p.Lys491Arg)

Gene: CPLANE1 (ciliogenesis and planar polarity effector complex subunit 1; minus strand). Cytogenetic location: 5p13.2.
Variant type: single nucleotide variant.
Coding change: c.1472A>G on transcript NM_001384732.1 (MANE Select); coding-DNA position 1472, A replaced by G.
Protein change: p.Lys491Arg; replaces lysine 491 with arginine.
Molecular consequence: missense variant.
Genome position (GRCh38, 1-based): chr5:37,227,292, T>C on the plus strand (A>G on the coding strand, the complement: CPLANE1 is on the minus strand). VCF-style: chr5-37227292-T-C. GRCh37 (hg19) VCF-style: chr5-37227394-T-C.
Other names: c.1472A>G, p.Lys491Arg (NM_023073.4); short protein forms K491R.
Identifiers: ClinVar variation 2139281 (VCV002139281.5), dbSNP rs761746624, ClinGen allele CA3239095.
Genomic context (GRCh38, chr5:37,227,292, plus strand): 5'-CTGCTAAGTACCTGAAAATCTGCTGCATTTTCATTTATTGTTTCTTCTGCCTGCAAGAAT[T>C]TGGGGACAGTGAAATCGGCTGAACTTTCATTTCCTTGGTGTTCTAACAGGCTAGACCTTA-3'
Protein context (NP_001371661.1, residues 481-501): NESSADFTVP[Lys491Arg]FLQAEETINE